The following is an entry in ClinVar:

ClinVar aggregate classification (germline): Uncertain significance (1 of 4 stars; one submission).

Allele frequency attached by ClinVar (database versions not stated): ExAC 0.00001; gnomAD 0.00001.
gnomAD v4.1: 17 of 1,600,826 alleles (0.0011%); highest among the groups gnomAD compares: Admixed American, 0.0017%; no homozygotes.

Submission:

Ambry Genetics
Classification: Uncertain significance. Last evaluated: 2024-11-20. Review status: criteria provided, single submitter. Criteria: Ambry Variant Classification Scheme 2023. Collection method: clinical testing. Allele origin: germline.
Comment: The p.V1042M variant (also known as c.3124G>A), located in coding exon 12 of the WNK2 gene, results from a G to A substitution at nucleotide position 3124. The valine at codon 1042 is replaced by methionine, an amino acid with highly similar properties. This amino acid position is conserved. In addition, this alteration is predicted to be tolerated by in silico analysis. Based on the available evidence, the clinical significance of this variant remains unclear.

NM_006648.4(WNK2):c.3124G>A (p.Val1042Met)

Gene: WNK2 (WNK lysine deficient protein kinase 2; plus strand). Cytogenetic location: 9q22.31.
Variant type: single nucleotide variant.
Coding change: c.3124G>A on transcript NM_006648.4 (MANE Select); coding-DNA position 3124, G replaced by A.
Protein change: p.Val1042Met; replaces valine 1042 with methionine.
Molecular consequence: missense variant.
Genome position (GRCh38, 1-based): chr9:93,261,871, G>A. VCF-style: chr9-93261871-G-A. GRCh37 (hg19) VCF-style: chr9-96024153-G-A.
Other names: c.3124G>A, p.Val1042Met (NM_001282394.3); short protein forms V1042M.
Identifiers: ClinVar variation 2346232 (VCV002346232.3), dbSNP rs754297681, ClinGen allele CA5129856.